The following is an entry in ClinVar:

ClinVar aggregate classification (germline): Uncertain significance. Review status: criteria provided, multiple submitters, no conflicts (2 of 4 stars). 4 submissions from 4 submitters: Uncertain significance (4). Last evaluated 2025-03-26.

Conditions:
RPGRIP1-related disorder. Also called: RPGRIP1-related condition.
Cone-rod dystrophy 13 (CORD13). Identifiers: Orphanet 1872, MedGen C2750720, MONDO:0011987, OMIM 608194.
Leber congenital amaurosis 6 (LCA6). Identifiers: Orphanet 65, MedGen C1854260, MONDO:0013446, OMIM 613826.
Retinal dystrophy. Also called: Inherited retinal dystrophy. Identifiers: Orphanet 71862, MedGen C0854723, MeSH D058499, MONDO:0019118, HP:0000556.

Allele frequency attached by ClinVar (database versions not stated): gnomAD exomes 0.00003 and 0.00005; TOPMed 0.00004; ExAC 0.00007; gnomAD 0.00008 and 0.00009; ESP Exome Variant Server 0.00033.
gnomAD v4.1: 51 of 1,604,936 alleles (0.0032%); highest among the groups gnomAD compares: Non-Finnish European, 0.0041%; no homozygotes.

Submissions (4):

PreventionGenetics, part of Exact Sciences
Classification: Uncertain significance for RPGRIP1-related condition. Last evaluated: 2025-03-26. Review status: criteria provided, single submitter. Criteria: ACMG Guidelines, 2015. Collection method: clinical testing. Allele origin: germline.
Comment: The RPGRIP1 c.2869G>A variant is predicted to result in the amino acid substitution p.Glu957Lys. This variant has been reported as a third allele in an individual with Leber congenital amaurosis whose disease could be explained by two variants in CRB1 (Astuti et al. 2016. PubMed ID: 26626312). This variant is present in 0.013% of alleles in individuals of European (Non-Finnish) descent in gnomAD. At this time, the clinical significance of this variant is uncertain due to the absence of conclusive functional and genetic evidence.

Blueprint Genetics
Classification: Uncertain significance. Last evaluated: 2024-11-13. Review status: criteria provided, single submitter. Criteria: ACMG Guidelines, 2015. Collection method: clinical testing. Allele origin: germline.

Institute of Human Genetics, Univ. Regensburg, Univ. Regensburg
Classification: Uncertain significance for Retinal dystrophy. Last evaluated: 2023-01-01. Review status: criteria provided, single submitter. Criteria: ACMG Guidelines, 2015. Collection method: clinical testing. Allele origin: germline. Affected: yes.

Labcorp Genetics (formerly Invitae), Labcorp
Classification: Uncertain significance for Leber congenital amaurosis 6; Cone-rod dystrophy 13. Last evaluated: 2022-09-27. Review status: criteria provided, single submitter. Criteria: Invitae Variant Classification Sherloc (09022015). Collection method: clinical testing. Allele origin: germline.
Comment: This sequence change replaces glutamic acid, which is acidic and polar, with lysine, which is basic and polar, at codon 957 of the RPGRIP1 protein (p.Glu957Lys). This variant is present in population databases (rs199589566, gnomAD 0.01%). This variant has not been reported in the literature in individuals affected with RPGRIP1-related conditions. ClinVar contains an entry for this variant (Variation ID: 998532). Advanced modeling of protein sequence and biophysical properties (such as structural, functional, and spatial information, amino acid conservation, physicochemical variation, residue mobility, and thermodynamic stability) performed at Invitae indicates that this missense variant is not expected to disrupt RPGRIP1 protein function. In summary, the available evidence is currently insufficient to determine the role of this variant in disease. Therefore, it has been classified as a Variant of Uncertain Significance.

Literature cited by the submitters: PubMed 26626312 (cited by Institute of Human Genetics, Univ. Regensburg, Univ. Regensburg).

NM_020366.4(RPGRIP1):c.2869G>A (p.Glu957Lys)

Gene: RPGRIP1 (RPGR interacting protein 1; plus strand). Cytogenetic location: 14q11.2.
Variant type: single nucleotide variant.
Coding change: c.2869G>A on transcript NM_020366.4 (MANE Select); coding-DNA position 2869, G replaced by A.
Protein change: p.Glu957Lys; replaces glutamic acid 957 with lysine.
Molecular consequence: missense variant.
Genome position (GRCh38, 1-based): chr14:21,327,781, G>A. VCF-style: chr14-21327781-G-A. GRCh37 (hg19) VCF-style: chr14-21795940-G-A.
Other names: c.847G>A, p.Glu283Lys (NM_001377523.1, NM_001377950.1); c.1795G>A, p.Glu599Lys (NM_001377948.1); c.955G>A, p.Glu319Lys (NM_001377949.1); c.349G>A, p.Glu117Lys (NM_001377951.1); c.2869G>A (NM_020366.3); short protein forms E117K, E283K, E319K, E599K, E957K.
Identifiers: ClinVar variation 998532 (VCV000998532.7), dbSNP rs199589566, ClinGen allele CA7089358.